The following is an entry in ClinVar:

ClinVar aggregate classification (germline): Uncertain significance (1 of 4 stars; one submission).

gnomAD v4.1: 2 of 1,613,988 alleles (0.00012%); highest among the groups gnomAD compares: Admixed American, 0.0017%; no homozygotes.

Submission:

GeneDx
Classification: Uncertain significance. Last evaluated: 2026-07-10. Review status: criteria provided, single submitter. Criteria: GeneDx Variant Classification Process June 2021. Collection method: clinical testing. Allele origin: germline.
Comment: Not observed at significant frequency in large population cohorts (gnomAD); In silico analysis supports that this missense variant has a deleterious effect on protein structure/function; Has not been previously published as pathogenic or benign to our knowledge; This variant is associated with the following publications: (PMID: 26100331, 25609763, 25512093)

NM_001376.5(DYNC1H1):c.8375A>G (p.Tyr2792Cys)

Gene: DYNC1H1 (dynein cytoplasmic 1 heavy chain 1; plus strand). Cytogenetic location: 14q32.31.
Variant type: single nucleotide variant.
Coding change: c.8375A>G on transcript NM_001376.5 (MANE Select); coding-DNA position 8375, A replaced by G.
Protein change: p.Tyr2792Cys; replaces tyrosine 2792 with cysteine.
Molecular consequence: missense variant.
Genome position (GRCh38, 1-based): chr14:102,019,924, A>G. VCF-style: chr14-102019924-A-G. GRCh37 (hg19) VCF-style: chr14-102486261-A-G.
Other names: short protein forms Y2792C.
Identifiers: ClinVar variation 4528147 (VCV004528147.2).